The following is an entry in ClinVar:

ClinVar aggregate classification (germline): Conflicting classifications of pathogenicity. Review status: criteria provided, conflicting classifications (1 of 4 stars). 3 submissions from 3 submitters: Uncertain significance (2); Likely benign (1). Last evaluated 2024-11-14.

Conditions:
Hereditary cancer-predisposing syndrome. Also called: Neoplastic Syndromes, Hereditary; Tumor predisposition; Hereditary neoplastic syndrome; Hereditary Cancer Syndrome. Identifiers: Orphanet 140162, MedGen C0027672, MeSH D009386, MONDO:0015356.

Allele frequency attached by ClinVar (database versions not stated): gnomAD 0.00003.
gnomAD v4.1: 2 of 1,602,876 alleles (0.00012%); no homozygotes.

Submissions (3):

Color Diagnostics, LLC DBA Color Health
Classification: Uncertain significance for Hereditary cancer-predisposing syndrome. Last evaluated: 2024-11-14. Review status: criteria provided, single submitter. Criteria: ACMG Guidelines, 2015. Collection method: clinical testing. Allele origin: germline.
Comment: This missense variant replaces threonine with serine at codon 1723 of the BRCA2 protein. Computational prediction suggests that this variant may not impact protein structure and function. To our knowledge, functional studies have not been reported for this variant. This variant has not been reported in individuals affected with BRCA2-related disorders in the literature. This variant has been identified in 1/31394 chromosomes in the general population by the Genome Aggregation Database (gnomAD). The available evidence is insufficient to determine the role of this variant in disease conclusively. Therefore, this variant is classified as a Variant of Uncertain Significance.

University of Washington Department of Laboratory Medicine, University of Washington
Classification: Likely benign for Hereditary cancer-predisposing syndrome. Last evaluated: 2023-03-23. Review status: criteria provided, single submitter. Criteria: Dines et al. (Genet Med. 2020). Collection method: curation. Allele origin: germline.
Comment: Missense variant in a coldspot region where missense variants are very unlikely to be pathogenic (PMID:31911673).

BRCA2 exon 11 coldspot. Reclassification based on statistical prior probability.

Ambry Genetics
Classification: Uncertain significance for Hereditary cancer-predisposing syndrome. Last evaluated: 2022-04-21. Review status: criteria provided, single submitter. Criteria: Ambry Variant Classification Scheme 2023. Collection method: clinical testing. Allele origin: germline.
Comment: The p.T1723S variant (also known as c.5167A>T), located in coding exon 10 of the BRCA2 gene, results from an A to T substitution at nucleotide position 5167. The threonine at codon 1723 is replaced by serine, an amino acid with similar properties. This amino acid position is not well conserved in available vertebrate species. In addition, this alteration is predicted to be tolerated by in silico analysis. Since supporting evidence is limited at this time, the clinical significance of this alteration remains unclear.

NM_000059.4(BRCA2):c.5167A>T (p.Thr1723Ser)

Gene: BRCA2 (BRCA2 DNA repair associated; plus strand). Cytogenetic location: 13q13.1.
Variant type: single nucleotide variant.
Coding change: c.5167A>T on transcript NM_000059.4 (MANE Select); coding-DNA position 5167, A replaced by T.
Protein change: p.Thr1723Ser; replaces threonine 1723 with serine.
Molecular consequence: missense variant.
Genome position (GRCh38, 1-based): chr13:32,339,522, A>T. VCF-style: chr13-32339522-A-T. GRCh37 (hg19) VCF-style: chr13-32913659-A-T.
Other names: short protein forms T1723S.
Identifiers: ClinVar variation 629275 (VCV000629275.9), dbSNP rs80358742, ClinGen allele CA387784255.
Genomic context (GRCh38, chr13:32,339,522, plus strand): 5'-GAAAGAATAAATACTGCAGATTATGTAGGAAATTATTTGTATGAAAATAATTCAAACAGT[A>T]CTATAGCTGAAAATGACAAAAATCATCTCTCCGAAAAACAAGATACTTATTTAAGTAACA-3'
Protein context (NP_000050.3, residues 1713-1733): NYLYENNSNS[Thr1723Ser]IAENDKNHLS